The following is an entry in ClinVar:

ClinVar aggregate classification (germline): Likely benign (1 of 4 stars; one submission).

gnomAD v4.1: 3 of 1,613,488 alleles (0.00019%); no homozygotes.

Submission:

GeneDx
Classification: Likely benign. Last evaluated: 2018-06-14. Review status: criteria provided, single submitter. Criteria: GeneDx Variant Classification (06012015). Collection method: clinical testing. Allele origin: germline. Affected: yes.
Comment: This variant is considered likely benign or benign based on one or more of the following criteria: it is a conservative change, it occurs at a poorly conserved position in the protein, it is predicted to be benign by multiple in silico algorithms, and/or has population frequency not consistent with disease.

NM_001378615.1(CC2D2A):c.1236G>A (p.Gly412=)

Genes: CC2D2A (coiled-coil and C2 domain containing 2A; plus strand), FBXL5 (F-box and leucine rich repeat protein 5; minus strand). Cytogenetic location: 4p15.32.
Variant type: single nucleotide variant.
Coding change: c.1236G>A on transcript NM_001378615.1 (MANE Select); coding-DNA position 1236, G replaced by A.
Protein change: p.Gly412=; no amino-acid change (glycine 412 retained).
Molecular consequence: synonymous variant.
Genome position (GRCh38, 1-based): chr4:15,527,533, G>A. VCF-style: chr4-15527533-G-A. GRCh37 (hg19) VCF-style: chr4-15529156-G-A.
Other names: c.1236G>A, p.Gly412= (NM_001080522.2); c.1089G>A, p.Gly363= (NM_001378617.1).
Identifiers: ClinVar variation 672230 (VCV000672230.1), dbSNP rs1417156333, ClinGen allele CA438382704.